The following is an entry in ClinVar:

ClinVar aggregate classification (germline): Conflicting classifications of pathogenicity. Review status: criteria provided, conflicting classifications (1 of 4 stars). 5 submissions from 5 submitters: Uncertain significance (4); Likely benign (1). Last evaluated 2026-10-08.

Conditions:
Cardiovascular phenotype. Identifiers: MedGen CN230736.
Brugada syndrome. Also called: Sudden Unexplained Death Syndrome; Sudden Unexplained Nocturnal Death Syndrome (SUNDS); Sudden unexplained nocturnal death syndrome; Sudden unexpected nocturnal death syndrome. Identifiers: Orphanet 130, MedGen C1142166, MONDO:0015263.

Allele frequency attached by ClinVar (database versions not stated): ExAC 0.00007; gnomAD exomes 0.00008 and 0.00016; gnomAD 0.00010 and 0.00011; TOPMed 0.00010; ESP Exome Variant Server 0.00015.
gnomAD v4.1: 264 of 1,613,850 alleles (0.016%); highest among the groups gnomAD compares: Non-Finnish European, 0.021%; no homozygotes.

Submissions (5):

GeneDx
Classification: Uncertain significance. Last evaluated: 2026-10-08. Review status: criteria provided, single submitter. Criteria: GeneDx Variant Classification Process June 2021. Collection method: clinical testing. Allele origin: germline.
Comment: In silico analysis supports that this missense variant has a deleterious effect on protein structure/function; This variant is associated with the following publications: (PMID: 42467787)

Labcorp Genetics (formerly Invitae), Labcorp
Classification: Uncertain significance for Brugada syndrome. Last evaluated: 2025-10-15. Review status: criteria provided, single submitter. Criteria: Invitae Variant Classification Sherloc (09022015). Collection method: clinical testing. Allele origin: germline.
Comment: This sequence change replaces glutamic acid, which is acidic and polar, with lysine, which is basic and polar, at codon 852 of the SCN10A protein (p.Glu852Lys). This variant is present in population databases (rs375274122, gnomAD 0.02%). This variant has not been reported in the literature in individuals affected with SCN10A-related conditions. ClinVar contains an entry for this variant (Variation ID: 392238). Invitae Evidence Modeling of protein sequence and biophysical properties (such as structural, functional, and spatial information, amino acid conservation, physicochemical variation, residue mobility, and thermodynamic stability) indicates that this missense variant is expected to disrupt SCN10A protein function with a positive predictive value of 80%. In summary, the available evidence is currently insufficient to determine the role of this variant in disease. Therefore, it has been classified as a Variant of Uncertain Significance.

Mayo Clinic Laboratories, Mayo Clinic
Classification: Uncertain significance. Last evaluated: 2025-07-30. Review status: criteria provided, single submitter. Criteria: ACMG Guidelines, 2015. Collection method: clinical testing. Allele origin: germline. Observed: 1 variant allele.
Comment: PP3_strong

CeGaT Center for Human Genetics Tuebingen
Classification: Uncertain significance. Last evaluated: 2021-08-01. Review status: criteria provided, single submitter. Criteria: CeGaT Center For Human Genetics Tuebingen Variant Classification Criteria Version 2. Collection method: clinical testing. Allele origin: germline. Affected: yes. Observed: 1 variant allele.

Ambry Genetics
Classification: Likely benign for Cardiovascular phenotype. Last evaluated: 2020-11-12. Review status: criteria provided, single submitter. Criteria: Ambry Variant Classification Scheme 2023. Collection method: clinical testing. Allele origin: germline.

Literature cited by the submitters: PubMed 30664616 (cited by Ambry Genetics).

NM_006514.4(SCN10A):c.2554G>A (p.Glu852Lys)

Gene: SCN10A (sodium voltage-gated channel alpha subunit 10; minus strand). Cytogenetic location: 3p22.2.
Variant type: single nucleotide variant.
Coding change: c.2554G>A on transcript NM_006514.4 (MANE Select); coding-DNA position 2554, G replaced by A.
Protein change: p.Glu852Lys; replaces glutamic acid 852 with lysine.
Molecular consequence: missense variant.
Genome position (GRCh38, 1-based): chr3:38,728,628, C>T on the plus strand (G>A on the coding strand, the complement: SCN10A is on the minus strand). VCF-style: chr3-38728628-C-T. GRCh37 (hg19) VCF-style: chr3-38770119-C-T.
Other names: p.Glu852Lys; c.2554G>A, p.Glu852Lys (NM_001293306.2); c.2260G>A, p.Glu754Lys (NM_001293307.2); short protein forms E852K, E754K.
Identifiers: ClinVar variation 392238 (VCV000392238.46), dbSNP rs375274122, ClinGen allele CA2320513.